The following is an entry in ClinVar:

ClinVar aggregate classification (germline): Pathogenic/Likely pathogenic. Review status: criteria provided, multiple submitters, no conflicts (2 of 4 stars). 3 submissions from 3 submitters: Pathogenic (2); Likely pathogenic (1). Last evaluated 2024-10-09.

Conditions:
Global developmental delay, absent or hypoplastic corpus callosum, and dysmorphic facies (GDACCF). Identifiers: MedGen C4310644, MONDO:0014994, OMIM 617260.

Submissions (3):

Victorian Clinical Genetics Services, Murdoch Childrens Research Institute
Classification: Pathogenic for Global developmental delay, absent or hypoplastic corpus callosum, and dysmorphic facies. Last evaluated: 2024-10-09. Review status: criteria provided, single submitter. Criteria: ACMG Guidelines, 2015. Collection method: clinical testing. Allele origin: germline. Inheritance: Autosomal dominant inheritance. Affected: yes.
Comment: Based on the classification scheme VCGS_Germline_v1.3.4, this variant is classified as Pathogenic. Following criteria are met: 0105 - The mechanism of disease for this gene is not clearly established. Only variants predicted to result in truncated proteins have been reported and no functional studies have been performed to assess the disease mechanism (PMIDs: 27964749, 36444493). (I) 0107 - This gene is associated with autosomal dominant disease. (I) 0115 - Variants in this gene are known to have variable expressivity. A variable phenotype has been observed in affected individuals (PMID: 27964749, OMIM). (I) 0205 - Variant is predicted to result in a truncated protein (premature termination codon is NOT located at least 54 nucleotides upstream of the final exon-exon junction) with less than 1/3 of the protein sequence affected. (SP) 0251 - This variant is heterozygous. (I) 0301 - Variant is absent from gnomAD (both v2 and v3). (SP) 0600 - Variant is located in the affected serine-rich/PEST domain (PMID: 27964749). (I) 0702 - Other truncating variants comparable to the one identified in this case have strong previous evidence for pathogenicity. There are four downstream truncating variants reported as either likely pathogenic or pathogenic (ClinVar, DECIPHER). A fifth truncating variant has also been reported as de novo in an individual with microcephaly, developmental delay, short stature and decreased body weight (GeneDx personal correspondence). (SP) 0803 - This variant has limited previous evidence of pathogenicity in an unrelated individual. This variant has been reported once as likely pathogenic in ClinVar. (SP) 0905 - No published segregation evidence has been identified for this variant. (I) 1007 - No published functional evidence has been identified for this variant. (SP) Legend: (SP) - Supporting pathogenic, (I) - Information, (SB) - Supporting benign

GeneDx
Classification: Pathogenic. Last evaluated: 2024-06-22. Review status: criteria provided, single submitter. Criteria: GeneDx Variant Classification Process June 2021. Collection method: clinical testing. Allele origin: germline. Affected: yes.
Comment: Nonsense variant predicted to result in protein truncation as the last 253 amino acids are lost; Not observed at significant frequency in large population cohorts (gnomAD); This variant is associated with the following publications: (PMID: 27964749, 37035737)

Equipe Genetique des Anomalies du Developpement, Université de Bourgogne
Classification: Likely pathogenic for Global developmental delay, absent or hypoplastic corpus callosum, and dysmorphic facies. Last evaluated: 2021-10-08. Review status: criteria provided, single submitter. Criteria: ACMG Guidelines, 2015. Collection method: clinical testing. Allele origin: de novo. Affected: yes.

Literature cited by the submitters: PubMed 27964749 (cited by Victorian Clinical Genetics Services, Murdoch Childrens Research Institute and Equipe Genetique des Anomalies du Developpement, Université de Bourgogne); PubMed 36444493 (cited by Victorian Clinical Genetics Services, Murdoch Childrens Research Institute).

NM_021964.3(ZNF148):c.1624C>T (p.Gln542Ter)

Genes: ZNF148 (zinc finger protein 148; minus strand), LOC126806798 (P300/CBP strongly-dependent group 1 enhancer GRCh37_chr3:124950809-124952008; plus strand). Cytogenetic location: 3q21.2.
Variant type: single nucleotide variant.
Coding change: c.1624C>T on transcript NM_021964.3 (MANE Select); coding-DNA position 1624, C replaced by T.
Protein change: p.Gln542Ter; replaces glutamine 542 with a stop codon.
Molecular consequence: nonsense.
Genome position (GRCh38, 1-based): chr3:125,233,102, G>A on the plus strand (C>T on the coding strand, the complement: ZNF148 is on the minus strand). VCF-style: chr3-125233102-G-A. GRCh37 (hg19) VCF-style: chr3-124951946-G-A.
Other names: c.1624C>T, p.Gln542Ter (NM_001348424.1, NM_001348425.2, NM_001348426.2 and 7 more transcripts); c.1498C>T, p.Gln500Ter (NM_001348434.2); short protein forms Q500*, Q542*.
Identifiers: ClinVar variation 1308666 (VCV001308666.4), dbSNP rs2107831036, ClinGen allele CA354294924.
Genomic context (GRCh38, chr3:125,233,102, plus strand): 5'-CACTGAAGGATATCTCATGCTGTCCATTAGCTTTGTGGGAATAATGATCCAACAGAGTCT[G>A]CAGTACCTCATCTGGAATAACATTTTTGTCATGATTACTCTTAATCTCCACATTCAGTGC-3'